The following is an entry in ClinVar:

NM_000528.4(MAN2B1):c.2563G>A (p.Gly855Arg)

Gene: MAN2B1 (mannosidase alpha class 2B member 1; minus strand). Cytogenetic location: 19p13.13.
Variant type: single nucleotide variant.
Coding change: c.2563G>A on transcript NM_000528.4 (MANE Select); coding-DNA position 2563, G replaced by A.
Protein change: p.Gly855Arg; replaces glycine 855 with arginine.
Molecular consequence: missense variant.
Genome position (GRCh38, 1-based): chr19:12,648,276, C>T on the plus strand (G>A on the coding strand, the complement: MAN2B1 is on the minus strand). VCF-style: chr19-12648276-C-T. GRCh37 (hg19) VCF-style: chr19-12759090-C-T.
Other names: c.2560G>A, p.Gly854Arg (NM_001173498.2); c.2566G>A, p.Gly856Arg (NM_001440570.1); short protein forms G856R, G855R, G854R.
Identifiers: ClinVar variation 4993868 (VCV004993868.1).

ClinVar aggregate classification (germline): Uncertain significance (1 of 4 stars; one submission).

Conditions:
MAN2B1-related disorder. Also called: MAN2B1-related condition.

Submission:

PreventionGenetics, part of Exact Sciences
Classification: Uncertain significance for MAN2B1-related condition. Last evaluated: 2025-09-12. Review status: criteria provided, single submitter. Criteria: ACMG Guidelines, 2015. Collection method: clinical testing. Allele origin: germline.
Comment: The MAN2B1 c.2563G>A variant is predicted to result in the amino acid substitution p.Gly855Arg. To our knowledge, this variant has not been reported in the literature. This variant is reported in 0.00097% of alleles in individuals of European (Non-Finnish) descent in gnomAD. At this time, the clinical significance of this variant is uncertain due to the absence of conclusive functional and genetic evidence.